The following is an entry in ClinVar:

ClinVar aggregate classification (germline): Pathogenic (1 of 4 stars; one submission).

Conditions:
Hereditary cancer-predisposing syndrome. Also called: Tumor predisposition; Hereditary Cancer Syndrome; Hereditary neoplastic syndrome; Neoplastic Syndromes, Hereditary. Identifiers: Orphanet 140162, MedGen C0027672, MeSH D009386, MONDO:0015356.

Submission:

Ambry Genetics
Classification: Pathogenic for Hereditary cancer-predisposing syndrome. Last evaluated: 2017-09-18. Review status: criteria provided, single submitter. Criteria: Ambry Variant Classification Scheme 2023. Collection method: clinical testing. Allele origin: germline.
Comment: The c.825delT pathogenic mutation, located in coding exon 7 of the APC gene, results from a deletion of one nucleotide at nucleotide position 825, causing a translational frameshift with a predicted alternate stop codon (p.N276Mfs*17). This alteration is expected to result in loss of function by premature protein truncation or nonsense-mediated mRNA decay. As such, this alteration is interpreted as a disease-causing mutation.

NM_000038.6(APC):c.825del (p.Asn276fs)

Gene: APC (APC regulator of Wnt signaling pathway; plus strand). Cytogenetic location: 5q22.2.
Variant type: Deletion.
Coding change: c.825del on transcript NM_000038.6 (MANE Select); coding-DNA position 825, one base deleted (T; older notation c.825delT).
Protein change: p.Asn276fs; shifts the reading frame from asparagine 276.
Molecular consequence: frameshift variant. On other transcripts: 5 prime UTR variant (1).
Genome position (GRCh38, 1-based): chr5:112,801,374, T deleted. VCF-style (leftmost placement, unchanged base first): chr5-112801373-GT-G. GRCh37 (hg19) VCF-style: chr5-112137070-GT-G.
Other names: c.825del, p.Asn276fs (NM_001127510.3, NM_001354895.2, NM_001354896.2 and 1 more transcripts); c.771del, p.Asn258fs (NM_001127511.3); c.855del, p.Asn286fs (NM_001354897.2, NM_001354902.2); c.750del, p.Asn251fs (NM_001354898.2, NM_001354904.2); c.741del, p.Asn248fs (NM_001354899.2); c.648del, p.Asn217fs (NM_001354900.2, NM_001354901.2, NM_001354905.2); c.-211del (NM_001354906.2); short protein forms N276fs, N251fs, N258fs, N217fs, N286fs, N248fs.
Identifiers: ClinVar variation 486793 (VCV000486793.5), dbSNP rs1554076216, ClinGen allele CA658657480.